The following is an entry in ClinVar:

ClinVar aggregate classification (germline): Conflicting classifications of pathogenicity. Review status: criteria provided, conflicting classifications (1 of 4 stars). 14 submissions from 12 submitters: Uncertain significance (2); Benign (3); Likely benign (3). 6 of the submissions do not count toward it. Last evaluated 2026-01-06.

Conditions:
ABCB6-related disorder. Also called: ABCB6-related condition.
Protoporphyria, erythropoietic, 1 (EPP1). Also called: Erythropoietic Protoporphyria, Autosomal Recessive; FERROCHELATASE DEFICIENCY; HEME SYNTHETASE DEFICIENCY. Identifiers: Orphanet 79278, MedGen C4692546, MONDO:0008319, OMIM 177000.
Variegate porphyria (VP). Also called: PPOX DEFICIENCY; PORPHYRIA, SOUTH AFRICAN TYPE; PROTOPORPHYRINOGEN OXIDASE DEFICIENCY. Identifiers: Orphanet 79473, MedGen C0162532, MONDO:0008297, OMIM 176200.
Microphthalmia, isolated, with coloboma 7 (MCOPCB7). Also called: ocular coloboma; MICROPHTHALMIA/COLOBOMA 7. Identifiers: Orphanet 98938, MedGen C3281027, MONDO:0013783, OMIM 614497.
Acute intermittent porphyria (AIP). Also called: Acute Intermittent Porphyria (AIP); HMBS deficiency; Hydroxymethylbilane Synthase Deficiency; Acute Porphyria; PBGD DEFICIENCY; PORPHOBILINOGEN DEAMINASE DEFICIENCY. Identifiers: Orphanet 79276, MedGen C0162565, MONDO:0008294, OMIM 176000.

Allele frequency attached by ClinVar (database versions not stated): 1000 Genomes Project 30x 0.00094; 1000 Genomes Project 0.00100; gnomAD 0.00296 and 0.00303; ESP Exome Variant Server 0.00300; TOPMed 0.00311; ExAC 0.00342; gnomAD exomes 0.00345.

Submissions (14):

Labcorp Genetics (formerly Invitae), Labcorp
Classification: Benign. Last evaluated: 2026-01-06. Review status: criteria provided, single submitter. Criteria: Invitae Variant Classification Sherloc (09022015). Collection method: clinical testing. Allele origin: germline.

Mayo Clinic Laboratories, Mayo Clinic
Classification: Uncertain significance. Last evaluated: 2025-10-14. Review status: criteria provided, single submitter. Criteria: ACMG Guidelines, 2015. Collection method: clinical testing. Allele origin: germline. Observed: 7 variant alleles.
Comment: BS2, PP3

GeneDx
Classification: Uncertain significance. Last evaluated: 2025-01-08. Review status: criteria provided, single submitter. Criteria: GeneDx Variant Classification Process June 2021. Collection method: clinical testing. Allele origin: germline. Affected: yes.
Comment: Reported in association with multiple phenotypes including various anemias, stomatocytosis, porphyria, coloboma, or language impairment (PMID: 27507172, 29396846, 35320338, 30653986, 24281366, 36695705, 28440294); In silico analysis supports that this missense variant has a deleterious effect on protein structure/function; This variant is associated with the following publications: (PMID: 25360778, 27507172, 24281366, 29396846, 36695705, 35320338, 28440294, 30653986, 34724702, 38557323)

CeGaT Center for Human Genetics Tuebingen
Classification: Likely benign. Last evaluated: 2023-05-01. Review status: criteria provided, single submitter. Criteria: CeGaT Center For Human Genetics Tuebingen Variant Classification Criteria Version 2. Collection method: clinical testing. Allele origin: germline. Affected: yes. Observed: 2 variant alleles.
Comment: ABCB6: BS2

Phillips Lab,  Hematology, University of Utah
Classification: Likely benign for Acute intermittent porphyria. Last evaluated: 2021-08-16. Review status: criteria provided, single submitter. Criteria: Submitter’s Publication. Collection method: clinical testing. Allele origin: unknown. Affected: yes.

Phillips Lab,  Hematology, University of Utah
Classification: Benign for Variegate porphyria. Last evaluated: 2021-08-16. Review status: criteria provided, single submitter. Criteria: Submitter’s Publication. Collection method: clinical testing. Allele origin: unknown. Affected: yes.

Phillips Lab,  Hematology, University of Utah
Classification: Benign for Protoporphyria, erythropoietic, 1. Last evaluated: 2021-08-16. Review status: criteria provided, single submitter. Criteria: Submitter’s Publication. Collection method: clinical testing. Allele origin: unknown. Affected: yes.

Breakthrough Genomics
Classification: Likely benign. Review status: criteria provided, single submitter. Criteria: ACMG Guidelines, 2015. Collection method: not provided. Allele origin: germline. Inheritance: Autosomal dominant inheritance. Affected: yes.

PreventionGenetics, part of Exact Sciences
Classification: Likely benign for ABCB6-related condition. Last evaluated: 2020-06-25. Review status: no assertion criteria provided. Collection method: clinical testing. Allele origin: germline. Not counted in ClinVar's aggregate classification.
Comment: This variant is classified as likely benign based on ACMG/AMP sequence variant interpretation guidelines (Richards et al. 2015 PMID: 25741868, with internal and published modifications).

Eye Genetics Research Group, Children's Medical Research Institute
Classification: Uncertain significance for Microphthalmia, isolated, with coloboma 7. Last evaluated: 2012-03-30. Review status: no assertion criteria provided. Collection method: research. Allele origin: paternal. Affected: yes. Not counted in ClinVar's aggregate classification.

Clinical Genetics DNA and cytogenetics Diagnostics Lab, Erasmus MC, Erasmus Medical Center
Classification: Likely benign. Review status: no assertion criteria provided. Collection method: clinical testing. Allele origin: germline. Affected: yes. Study: VKGL Data-share Consensus. Not counted in ClinVar's aggregate classification.

Clinical Genetics, Academic Medical Center
Classification: Likely benign. Review status: no assertion criteria provided. Collection method: clinical testing. Allele origin: germline. Affected: yes. Study: VKGL Data-share Consensus. Not counted in ClinVar's aggregate classification.

Dr.Nikuei Genetic Center
Classification: Benign for Microphthalmia, isolated, with coloboma 7. Review status: no assertion criteria provided. Collection method: clinical testing. Allele origin: germline. Affected: no. Not counted in ClinVar's aggregate classification.

Genome Diagnostics Laboratory, University Medical Center Utrecht
Classification: Likely benign. Review status: no assertion criteria provided. Collection method: clinical testing. Allele origin: germline. Affected: yes. Study: VKGL Data-share Consensus. Not counted in ClinVar's aggregate classification.

Literature cited by the submitters: PubMed 25360778 (cited by Mayo Clinic Laboratories, Mayo Clinic); PubMed 27507172 (cited by Mayo Clinic Laboratories, Mayo Clinic); PubMed 29396846 (cited by Mayo Clinic Laboratories, Mayo Clinic); PubMed 30653986 (cited by Mayo Clinic Laboratories, Mayo Clinic); PubMed 35320338 (cited by Mayo Clinic Laboratories, Mayo Clinic); PubMed 36695705 (cited by Mayo Clinic Laboratories, Mayo Clinic); PubMed 38557323 (cited by Mayo Clinic Laboratories, Mayo Clinic); PubMed 24281366 (cited by Eye Genetics Research Group, Children's Medical Research Institute).

NM_005689.4(ABCB6):c.575G>A (p.Arg192Gln)

Gene: ABCB6 (ATP binding cassette subfamily B member 6 (LAN blood group); minus strand). Cytogenetic location: 2q35.
Variant type: single nucleotide variant.
Coding change: c.575G>A on transcript NM_005689.4 (MANE Select); coding-DNA position 575, G replaced by A.
Protein change: p.Arg192Gln; replaces arginine 192 with glutamine.
Molecular consequence: missense variant. On other transcripts: intron variant (1).
Genome position (GRCh38, 1-based): chr2:219,217,782, C>T on the plus strand (G>A on the coding strand, the complement: ABCB6 is on the minus strand). VCF-style: chr2-219217782-C-T. GRCh37 (hg19) VCF-style: chr2-220082504-C-T.
Other names: p.Arg192Gln; c.549+343G>A (NM_001349828.2); short protein forms R192Q.
Identifiers: ClinVar variation 68473 (VCV000068473.41), dbSNP rs150221689, ClinGen allele CA145194.
Genomic context (GRCh38, chr2:219,217,782, plus strand): 5'-TGGGGACGAAGTCCAGGGGCCCAGAGACCCAGGACAAACAGCCCTCCAGAGACCACATAC[C>T]GCAGCACCCACAGGCTAAACTGAACCTAGAATGAAATATAAGTGGAGAGAGTATCATTGA-3'
Protein context (NP_005680.1, residues 182-202): QQVQFSLWVL[Arg192Gln]YVVSGGLFVL